The following is an entry in ClinVar:

NM_080605.4(B3GALT6):c.140C>T (p.Pro47Leu)

Gene: B3GALT6 (beta-1,3-galactosyltransferase 6; plus strand). Cytogenetic location: 1p36.33.
Variant type: single nucleotide variant.
Coding change: c.140C>T on transcript NM_080605.4 (MANE Select); coding-DNA position 140, C replaced by T.
Protein change: p.Pro47Leu; replaces proline 47 with leucine.
Molecular consequence: missense variant.
Genome position (GRCh38, 1-based): chr1:1,232,418, C>T. VCF-style: chr1-1232418-C-T. GRCh37 (hg19) VCF-style: chr1-1167798-C-T.
Other names: short protein forms P47L.
Identifiers: ClinVar variation 1949301 (VCV001949301.5), dbSNP rs1443054347, ClinGen allele CA337822800.

ClinVar aggregate classification (germline): Uncertain significance (1 of 4 stars; one submission).

Conditions:
Ehlers-Danlos syndrome, spondylodysplastic type, 2 (EDSSPD2). Also called: Ehlers-Danlos syndrome, progeroid type, 2. Identifiers: Orphanet 536467, Orphanet 75496, MedGen C3809210, MONDO:0014139, OMIM 615349.
Spondyloepimetaphyseal dysplasia with joint laxity (SEMDJL). Identifiers: MedGen C0432243, MONDO:0019675.

Allele frequency attached by ClinVar (database versions not stated): gnomAD 0.00001.

Submission:

Labcorp Genetics (formerly Invitae), Labcorp
Classification: Uncertain significance for Ehlers-Danlos syndrome, spondylodysplastic type, 2; Spondyloepimetaphyseal dysplasia with joint laxity. Last evaluated: 2024-10-24. Review status: criteria provided, single submitter. Criteria: Invitae Variant Classification Sherloc (09022015). Collection method: clinical testing. Allele origin: germline.
Comment: This sequence change replaces proline, which is neutral and non-polar, with leucine, which is neutral and non-polar, at codon 47 of the B3GALT6 protein (p.Pro47Leu). This variant is present in population databases (no rsID available, gnomAD 0.06%). This variant has not been reported in the literature in individuals affected with B3GALT6-related conditions. ClinVar contains an entry for this variant (Variation ID: 1949301). Invitae Evidence Modeling of protein sequence and biophysical properties (such as structural, functional, and spatial information, amino acid conservation, physicochemical variation, residue mobility, and thermodynamic stability) indicates that this missense variant is not expected to disrupt B3GALT6 protein function with a negative predictive value of 80%. In summary, the available evidence is currently insufficient to determine the role of this variant in disease. Therefore, it has been classified as a Variant of Uncertain Significance.